The following is an entry in ClinVar:

NM_018344.6(SLC29A3):c.1008T>C (p.Gly336=)

Gene: SLC29A3 (solute carrier family 29 member 3; plus strand). Cytogenetic location: 10q22.1.
Variant type: single nucleotide variant.
Coding change: c.1008T>C on transcript NM_018344.6 (MANE Select); coding-DNA position 1008, T replaced by C.
Protein change: p.Gly336=; no amino-acid change (glycine 336 retained).
Molecular consequence: synonymous variant. On other transcripts: 3 prime UTR variant (1), non-coding transcript variant (2).
Genome position (GRCh38, 1-based): chr10:71,362,188, T>C. VCF-style: chr10-71362188-T-C. GRCh37 (hg19) VCF-style: chr10-73121945-T-C.
Other names: p.Gly336=; c.*237T>C (NM_001174098.2); c.774T>C, p.Gly258= (NM_001363518.2).
Identifiers: ClinVar variation 130337 (VCV000130337.28), dbSNP rs1084004, ClinGen allele CA155234.
Genomic context (GRCh38, chr10:71,362,188, plus strand): 5'-CTTCATCACCAGCCTCATCTACCCCGCCATCTGCACCAACATCGAGTCCCTCAACAAGGG[T>C]TCGGGCTCACTGTGGACCACCAAGTTTTTCATCCCCCTCACTACCTTCCTCCTGTACAAC-3'
Protein context (NP_060814.4, residues 326-346): ICTNIESLNK[Gly336=]SGSLWTTKFF

ClinVar aggregate classification (germline): Benign/Likely benign. Review status: criteria provided, multiple submitters, no conflicts (2 of 4 stars). 10 submissions from 10 submitters: Benign (8); Likely benign (1). 1 of the submissions does not count toward it. Last evaluated 2026-02-04.

Conditions:
H syndrome. Also called: Histiocytosis with joint contractures and sensorineural deafness; FAISALABAD HISTIOCYTOSIS; HISTIOCYTOSIS AND LYMPHADENOPATHY WITH OR WITHOUT CUTANEOUS, CARDIAC, AND/OR ENDOCRINE FEATURES, JOINT CONTRACTURES, AND/OR DEAFNESS; HYPERPIGMENTATION, CUTANEOUS, WITH HYPERTRICHOSIS, HEPATOSPLENOMEGALY, HEART ANOMALIES, AND HYPOGONADISM WITH OR WITHOUT HEARING LOSS; PIGMENTED HYPERTRICHOSIS WITH INSULIN-DEPENDENT DIABETES MELLITUS; ROSAI-DORFMAN DISEASE, FAMILIAL. Identifiers: Orphanet 168569, MedGen C1864445, MONDO:0011273, OMIM 602782.

Allele frequency attached by ClinVar (database versions not stated): 1000 Genomes Project 0.75379; 1000 Genomes Project 30x 0.75937; gnomAD exomes 0.82524 and 0.88713; TOPMed 0.82731; ExAC 0.83018; gnomAD 0.83737 and 0.84205; ESP Exome Variant Server 0.86660.
gnomAD v4.1: 1,424,062 of 1,613,930 alleles (88%); highest among the groups gnomAD compares: Middle Eastern, 92%; 633,326 homozygotes.

Submissions (10):

Labcorp Genetics (formerly Invitae), Labcorp
Classification: Benign for H syndrome. Last evaluated: 2026-02-04. Review status: criteria provided, single submitter. Criteria: Invitae Variant Classification Sherloc (09022015). Collection method: clinical testing. Allele origin: germline.

Women's Health and Genetics/Laboratory Corporation of America, LabCorp
Classification: Benign. Last evaluated: 2026-01-21. Review status: criteria provided, single submitter. Criteria: LabCorp Variant Classification Summary - May 2015. Collection method: clinical testing. Allele origin: germline.

Blueprint Genetics
Classification: Likely benign. Last evaluated: 2024-11-27. Review status: criteria provided, single submitter. Criteria: ACMG Guidelines, 2015. Collection method: clinical testing. Allele origin: germline.

Unidad de Genómica Garrahan, Hospital de Pediatría Garrahan
Classification: Benign. Last evaluated: 2023-11-12. Review status: criteria provided, single submitter. Criteria: ACMG Guidelines, 2015. Collection method: clinical testing. Allele origin: germline. Affected: no. Observed: 85 variant alleles.
Comment: This variant is classified as Benign based on local population frequency. This variant was detected in 89% of patients studied by a panel of primary immunodeficiencies. Number of patients: 85. Only high quality variants are reported.

Mayo Clinic Laboratories, Mayo Clinic
Classification: Benign. Last evaluated: 2022-11-10. Review status: criteria provided, single submitter. Criteria: ACMG Guidelines, 2015. Collection method: clinical testing. Allele origin: germline. Observed: 493 variant alleles.

Genome-Nilou Lab
Classification: Benign for H syndrome. Last evaluated: 2021-07-15. Review status: criteria provided, single submitter. Criteria: ACMG Guidelines, 2015. Collection method: clinical testing. Allele origin: germline. Affected: no.

GeneDx
Classification: Benign. Last evaluated: 2020-07-16. Review status: criteria provided, single submitter. Criteria: GeneDx Variant Classification Process June 2021. Collection method: clinical testing. Allele origin: germline. Affected: yes.

Illumina Laboratory Services, Illumina
Classification: Benign for H syndrome. Last evaluated: 2018-01-13. Review status: criteria provided, single submitter. Criteria: ICSL Variant Classification Criteria 13 December 2019. Collection method: clinical testing. Allele origin: germline.
Comment: This variant was observed in the ICSL laboratory as part of a predisposition screen in an ostensibly healthy population. It had not been previously curated by ICSL or reported in the Human Gene Mutation Database (HGMD: prior to June 1st, 2018), and was therefore a candidate for classification through an automated scoring system. Utilizing variant allele frequency, disease prevalence and penetrance estimates, and inheritance mode, an automated score was calculated to assess if this variant is too frequent to cause the disease. Based on the score and internal cut-off values, a variant classified as benign is not then subjected to further curation. The score for this variant resulted in a classification of benign for this disease.

Breakthrough Genomics
Classification: Benign. Review status: criteria provided, single submitter. Criteria: ACMG Guidelines, 2015. Collection method: not provided. Allele origin: germline. Inheritance: Autosomal recessive inheritance. Affected: yes.

Genetic Services Laboratory, University of Chicago
Classification: Likely benign for AllHighlyPenetrant. Review status: no assertion criteria provided. Collection method: clinical testing. Allele origin: germline. Inheritance: Autosomal recessive inheritance. Not counted in ClinVar's aggregate classification.
Comment: Likely benign based on allele frequency in 1000 Genomes Project or ESP global frequency and its presence in a patient with a rare or unrelated disease phenotype. NOT Sanger confirmed.